The following is an entry in ClinVar:

ClinVar aggregate classification (germline): Likely benign (0 of 4 stars; one submission).

Conditions:
MC4R-related disorder. Also called: MC4R-related condition.

Submission:

PreventionGenetics, part of Exact Sciences
Classification: Likely benign for MC4R-related condition. Last evaluated: 2020-02-24. Review status: no assertion criteria provided. Collection method: clinical testing. Allele origin: germline.
Comment: This variant is classified as likely benign based on ACMG/AMP sequence variant interpretation guidelines (Richards et al. 2015 PMID: 25741868, with internal and published modifications).

NM_005912.3(MC4R):c.873C>T (p.Ile291=)

Gene: MC4R (melanocortin 4 receptor; minus strand). Cytogenetic location: 18q21.32.
Variant type: single nucleotide variant.
Coding change: c.873C>T on transcript NM_005912.3 (MANE Select); coding-DNA position 873, C replaced by T.
Protein change: p.Ile291=; no amino-acid change (isoleucine 291 retained).
Molecular consequence: synonymous variant.
Genome position (GRCh38, 1-based): chr18:60,371,477, G>A on the plus strand (C>T on the coding strand, the complement: MC4R is on the minus strand). VCF-style: chr18-60371477-G-A. GRCh37 (hg19) VCF-style: chr18-58038710-G-A.
Identifiers: ClinVar variation 3344496 (VCV003344496.1).
Genomic context (GRCh38, chr18:60,371,477, plus strand): 5'-TTTCCTCAGTTCTTGACTCCGGAGTGCATAAATCAGAGGATCGATGATTGAATTACACAT[G>A]ATCAGTATGAGATACAAGTTAAAGTGAGACATGAAGCACACACAATATGGATTCTGAGGA-3'
Protein context (NP_005903.2, residues 281-301): MSHFNLYLIL[Ile291=]MCNSIIDPLI